The following is an entry in ClinVar:

ClinVar aggregate classification (germline): Pathogenic (1 of 4 stars; one submission).

Conditions:
Cardiovascular phenotype. Identifiers: MedGen CN230736.
Hereditary cancer-predisposing syndrome. Also called: Neoplastic Syndromes, Hereditary; Tumor predisposition; Hereditary Cancer Syndrome; Hereditary neoplastic syndrome. Identifiers: Orphanet 140162, MedGen C0027672, MeSH D009386, MONDO:0015356.

Submission:

Ambry Genetics
Classification: Pathogenic for Cardiovascular phenotype; Hereditary cancer-predisposing syndrome. Last evaluated: 2026-04-22. Review status: criteria provided, single submitter. Criteria: Ambry Variant Classification Scheme 2023. Collection method: clinical testing. Allele origin: germline.
Comment: The c.5930delG pathogenic mutation, located in coding exon 39 of the NF1 gene, results from a deletion of one nucleotide at nucleotide position 5930, causing a translational frameshift with a predicted alternate stop codon (p.G1977Efs*14). This variant is considered to be rare based on population cohorts in the Genome Aggregation Database (gnomAD). This alteration is expected to result in loss of function by premature protein truncation or nonsense-mediated mRNA decay. As such, this alteration is interpreted as a disease-causing mutation.

NM_001042492.3(NF1):c.5993del (p.Gly1998fs)

Gene: NF1 (neurofibromin 1; plus strand). Cytogenetic location: 17q11.2.
Variant type: Deletion.
Coding change: c.5993del on transcript NM_001042492.3 (MANE Select); coding-DNA position 5993, one base deleted (G; older notation c.5993delG).
Protein change: p.Gly1998fs; shifts the reading frame from glycine 1998.
Molecular consequence: frameshift variant.
Genome position (GRCh38, 1-based): chr17:31,335,018, G deleted; the last of 4 consecutive G bases (chr17:31,335,015-31,335,018); deleting any one gives the same sequence. VCF-style (leftmost placement, unchanged base first): chr17-31335014-TG-T. GRCh37 (hg19) VCF-style: chr17-29662032-TG-T.
Other names: c.5930del, p.Gly1977fs (NM_000267.4); short protein forms G1977fs, G1998fs.
Identifiers: ClinVar variation 4860850 (VCV004860850.1).